The following is an entry in ClinVar:

NM_024675.4(PALB2):c.3385G>T (p.Ala1129Ser)

Gene: PALB2 (partner and localizer of BRCA2; minus strand). Cytogenetic location: 16p12.2.
Variant type: single nucleotide variant.
Coding change: c.3385G>T on transcript NM_024675.4 (MANE Select); coding-DNA position 3385, G replaced by T.
Protein change: p.Ala1129Ser; replaces alanine 1129 with serine.
Molecular consequence: missense variant.
Genome position (GRCh38, 1-based): chr16:23,603,635, C>A on the plus strand (G>T on the coding strand, the complement: PALB2 is on the minus strand). VCF-style: chr16-23603635-C-A. GRCh37 (hg19) VCF-style: chr16-23614956-C-A.
Other names: short protein forms A1129S.
Identifiers: ClinVar variation 923808 (VCV000923808.13), dbSNP rs1966404823, ClinGen allele CA395138279.

ClinVar aggregate classification (germline): Uncertain significance. Review status: criteria provided, multiple submitters, no conflicts (2 of 4 stars). 3 submissions from 3 submitters: Uncertain significance (3). Last evaluated 2024-06-13.

Conditions:
Hereditary cancer-predisposing syndrome. Also called: Neoplastic Syndromes, Hereditary; Tumor predisposition; Hereditary Cancer Syndrome; Hereditary neoplastic syndrome. Identifiers: Orphanet 140162, MedGen C0027672, MeSH D009386, MONDO:0015356.
Familial cancer of breast. Also called: BREAST CANCER, FAMILIAL; hereditary breast carcinoma; Hereditary breast cancer. Identifiers: Orphanet 227535, MedGen C0346153, MONDO:0016419, OMIM 114480. Disease mechanism: loss of function.

Submissions (3):

Ambry Genetics
Classification: Uncertain significance for Hereditary cancer-predisposing syndrome. Last evaluated: 2024-06-13. Review status: criteria provided, single submitter. Criteria: Ambry Variant Classification Scheme 2023. Collection method: clinical testing. Allele origin: germline.
Comment: The p.A1129S variant (also known as c.3385G>T), located in coding exon 13 of the PALB2 gene, results from a G to T substitution at nucleotide position 3385. The alanine at codon 1129 is replaced by serine, an amino acid with similar properties. This amino acid position is conserved. In addition, this alteration is predicted to be tolerated by in silico analysis. Based on the available evidence, the clinical significance of this variant remains unclear.

Labcorp Genetics (formerly Invitae), Labcorp
Classification: Uncertain significance for Familial cancer of breast. Last evaluated: 2023-08-29. Review status: criteria provided, single submitter. Criteria: Invitae Variant Classification Sherloc (09022015). Collection method: clinical testing. Allele origin: germline.
Comment: In summary, the available evidence is currently insufficient to determine the role of this variant in disease. Therefore, it has been classified as a Variant of Uncertain Significance. An algorithm developed to predict the effect of missense changes on protein structure and function (PolyPhen-2) suggests that this variant is likely to be disruptive. ClinVar contains an entry for this variant (Variation ID: 923808). This variant has not been reported in the literature in individuals affected with PALB2-related conditions. This variant is not present in population databases (gnomAD no frequency). This sequence change replaces alanine, which is neutral and non-polar, with serine, which is neutral and polar, at codon 1129 of the PALB2 protein (p.Ala1129Ser).

Color Diagnostics, LLC DBA Color Health
Classification: Uncertain significance for Hereditary cancer-predisposing syndrome. Last evaluated: 2021-12-21. Review status: criteria provided, single submitter. Criteria: ACMG Guidelines, 2015. Collection method: clinical testing. Allele origin: germline.
Comment: This missense variant replaces alanine with serine at codon 1129 of the PALB2 protein. Computational prediction suggests that this variant may not impact protein structure and function (internally defined REVEL score threshold <= 0.5, PMID: 27666373). To our knowledge, functional studies have not been reported for this variant. This variant has not been reported in individuals affected with hereditary cancer in the literature. This variant has not been identified in the general population by the Genome Aggregation Database (gnomAD). The available evidence is insufficient to determine the role of this variant in disease conclusively. Therefore, this variant is classified as a Variant of Uncertain Significance.